The following is an entry in ClinVar:

NM_000455.5(STK11):c.605A>T (p.His202Leu)

Gene: STK11 (serine/threonine kinase 11; plus strand). Cytogenetic location: 19p13.3.
Variant type: single nucleotide variant.
Coding change: c.605A>T on transcript NM_000455.5 (MANE Select); coding-DNA position 605, A replaced by T.
Protein change: p.His202Leu; replaces histidine 202 with leucine.
Molecular consequence: missense variant.
Genome position (GRCh38, 1-based): chr19:1,220,588, A>T. VCF-style: chr19-1220588-A-T. GRCh37 (hg19) VCF-style: chr19-1220587-A-T.
Other names: short protein forms H202L.
Identifiers: ClinVar variation 826162 (VCV000826162.4), dbSNP rs1206092648, ClinGen allele CA402949420.

ClinVar aggregate classification (germline): Uncertain significance (1 of 4 stars; one submission).

Conditions:
Hereditary cancer-predisposing syndrome. Also called: Neoplastic Syndromes, Hereditary; Tumor predisposition; Hereditary neoplastic syndrome; Hereditary Cancer Syndrome. Identifiers: Orphanet 140162, MedGen C0027672, MeSH D009386, MONDO:0015356.

gnomAD v4.1: 1 of 1,584,102 alleles (0.000063%); highest among the groups gnomAD compares: Non-Finnish European, 0.000086%; no homozygotes.

Submission:

Ambry Genetics
Classification: Uncertain significance for Hereditary cancer-predisposing syndrome. Last evaluated: 2018-09-20. Review status: criteria provided, single submitter. Criteria: Ambry Variant Classification Scheme 2023. Collection method: clinical testing. Allele origin: germline.
Comment: The p.H202L variant (also known as c.605A>T), located in coding exon 5 of the STK11 gene, results from an A to T substitution at nucleotide position 605. The histidine at codon 202 is replaced by leucine, an amino acid with similar properties. This amino acid position is highly conserved in available vertebrate species. In addition, the in silico prediction for this alteration is inconclusive. Since supporting evidence is limited at this time, the clinical significance of this alteration remains unclear.